The following is an entry in ClinVar:

NM_001271.4(CHD2):c.2689G>A (p.Ala897Thr)

Gene: CHD2 (chromodomain helicase DNA binding protein 2; plus strand). Cytogenetic location: 15q26.1.
Variant type: single nucleotide variant.
Coding change: c.2689G>A on transcript NM_001271.4 (MANE Select); coding-DNA position 2689, G replaced by A.
Protein change: p.Ala897Thr; replaces alanine 897 with threonine.
Molecular consequence: missense variant.
Genome position (GRCh38, 1-based): chr15:92,978,345, G>A. VCF-style: chr15-92978345-G-A. GRCh37 (hg19) VCF-style: chr15-93521575-G-A.
Other names: short protein forms A897T.
Identifiers: ClinVar variation 1805919 (VCV001805919.2), dbSNP rs2505543288, ClinGen allele CA393893898.

ClinVar aggregate classification (germline): Likely pathogenic (1 of 4 stars; one submission).

Conditions:
Developmental and epileptic encephalopathy 94 (DEE94). Also called: CHD2-Related Neurodevelopmental Disorders; Epileptic encephalopathy, childhood-onset. Identifiers: Orphanet 1942, Orphanet 2382, MedGen C3809278, MONDO:0014150, OMIM 615369.

Submission:

Victorian Clinical Genetics Services, Murdoch Childrens Research Institute
Classification: Likely pathogenic for Developmental and epileptic encephalopathy 94. Last evaluated: 2023-07-17. Review status: criteria provided, single submitter. Criteria: ACMG Guidelines, 2015. Collection method: clinical testing. Allele origin: germline. Inheritance: Autosomal dominant inheritance. Affected: yes.
Comment: Based on the classification scheme VCGS_Germline_v1.3.4, this variant is classified as Likely pathogenic. Following criteria are met: 0102 - Loss of function is a known mechanism of disease in this gene and is associated with developmental and epileptic encephalopathy 94 (MIM#615369). The mechanism of missense variants is unclear. (I) 0107 - This gene is associated with autosomal dominant disease. (I) 0200 - Variant is predicted to result in a missense amino acid change from alanine to threonine. (I) 0251 - This variant is heterozygous. (I) 0301 - Variant is absent from gnomAD (both v2 and v3). (SP) 0502 - Missense variant with conflicting in silico predictions and uninformative conservation. (I) 0603 - Missense variant in a region that is highly intolerant to missense variation (high constraint region in DECIPHER). (SP) 0705 - No comparable missense variants have previous evidence for pathogenicity. (I) 0807 - This variant has no previous evidence of pathogenicity. (I) 0905 - No published segregation evidence has been identified for this variant. (I) 1007 - No published functional evidence has been identified for this variant. (SP) Legend: (SP) - Supporting pathogenic, (I) - Information, (SB) - Supporting benign